The following is an entry in ClinVar:

ClinVar aggregate classification (germline): Uncertain significance (1 of 4 stars; one submission).

Conditions:
SOX3-related disorder. Also called: SOX3-Related Disorders; SOX3-related condition.

Submission:

PreventionGenetics, part of Exact Sciences
Classification: Uncertain significance for SOX3-related condition. Last evaluated: 2026-03-11. Review status: criteria provided, single submitter. Criteria: ACMG Guidelines, 2015. Collection method: clinical testing. Allele origin: germline.
Comment: The SOX3 c.705_710dup6 variant is predicted to result in an in-frame duplication (p.Ala247_Ala248dup). To our knowledge, this variant has not been reported in the literature. This variant is reported in 0.0048% of alleles in individuals of European (Non-Finnish) descent in gnomAD. At this time, the clinical significance of this variant is uncertain due to the absence of conclusive functional and genetic evidence.

NM_005634.3(SOX3):c.705_710dup (p.Ala248_Ser249insAlaAla)

Gene: SOX3 (SRY-box transcription factor 3; minus strand). Cytogenetic location: Xq27.1.
Variant type: Duplication.
Coding change: c.705_710dup on transcript NM_005634.3 (MANE Select); coding-DNA positions 705 to 710, 6 bases duplicated (GGCCGC; older notation c.705_710dupGGCCGC).
Protein change: p.Ala248_Ser249insAlaAla.
Molecular consequence: inframe insertion.
Genome position (GRCh38, 1-based): chrX:140,504,351-140,504,356, GCGGCC duplicated on the plus strand (GGCCGC on the coding strand, the reverse complement: SOX3 is on the minus strand); duplicating any 6 consecutive bases within chrX:140,504,351-140,504,361 gives the same sequence; the c. name uses the placement nearest the transcript's 3' end. VCF-style (leftmost placement, unchanged base first): chrX-140504350-G-GGCGGCC. GRCh37 (hg19) VCF-style: chrX-139586515-G-GGCGGCC.
Identifiers: ClinVar variation 4979424 (VCV004979424.1).